The following is an entry in ClinVar:

NM_000507.4(FBP1):c.880G>A (p.Gly294Arg)

Gene: FBP1 (fructose-bisphosphatase 1; minus strand). Cytogenetic location: 9q22.32.
Variant type: single nucleotide variant.
Coding change: c.880G>A on transcript NM_000507.4 (MANE Select); coding-DNA position 880, G replaced by A.
Protein change: p.Gly294Arg; replaces glycine 294 with arginine.
Molecular consequence: missense variant.
Genome position (GRCh38, 1-based): chr9:94,603,518, C>T on the plus strand (G>A on the coding strand, the complement: FBP1 is on the minus strand). VCF-style: chr9-94603518-C-T. GRCh37 (hg19) VCF-style: chr9-97365800-C-T.
Other names: c.880G>A, p.Gly294Arg (NM_001127628.2); short protein forms G294R.
Identifiers: ClinVar variation 422511 (VCV000422511.8), dbSNP rs1064795826, ClinGen allele CA16618870.

ClinVar aggregate classification (germline): Conflicting classifications of pathogenicity. Review status: criteria provided, conflicting classifications (1 of 4 stars). 3 submissions from 3 submitters: Likely pathogenic (2); Uncertain significance (1). Last evaluated 2026-09-27.

Conditions:
Fructose-biphosphatase deficiency (FBP1D). Also called: Fructose 1,6 Bisphosphatase Deficiency; Fructose-1,6-Bisphosphatase 1 Deficiency; Fructose-1,6-Diphosphatase Deficiency. Identifiers: Orphanet 348, MedGen C0016756, MONDO:0009251, OMIM 229700.

Allele frequency attached by ClinVar (database versions not stated): TOPMed 0.00002; gnomAD exomes 0.00001 and below 0.00001; gnomAD 0.00001.
gnomAD v4.1: 5 of 1,614,010 alleles (0.00031%); highest among the groups gnomAD compares: Admixed American, 0.005%; no homozygotes.

Submissions (3):

GeneDx
Classification: Likely pathogenic. Last evaluated: 2026-09-27. Review status: criteria provided, single submitter. Criteria: GeneDx Variant Classification Process June 2021. Collection method: clinical testing. Allele origin: germline.
Comment: Not observed at significant frequency in large population cohorts (gnomAD); In silico analysis supports that this missense variant has a deleterious effect on protein structure/function; Has not been previously published as pathogenic or benign to our knowledge; This variant is associated with the following publications: (PMID: 20151204, 27101822)

Women's Health and Genetics/Laboratory Corporation of America, LabCorp
Classification: Uncertain significance. Last evaluated: 2025-06-24. Review status: criteria provided, single submitter. Criteria: LabCorp Variant Classification Summary - May 2015. Collection method: clinical testing. Allele origin: germline.
Comment: Variant summary: FBP1 c.880G>A (p.Gly294Arg) results in a non-conservative amino acid change located in the Fructose-1-6-bisphosphatase class 1, C-terminal domain (IPR044015) of the encoded protein sequence. Algorithms developed to predict the effect of missense changes on protein structure and function all suggest that this variant is likely to be disruptive. The variant allele was found at a frequency of 8e-06 in 251478 control chromosomes. The available data on variant occurrences in the general population are insufficient to allow any conclusion about variant significance. To our knowledge, no occurrence of c.880G>A in individuals affected with Fructose-biphosphatase deficiency and no experimental evidence demonstrating its impact on protein function have been reported. A different variant affecting the same codon has been classified as likely pathogenic/pathogenic by our lab (c.881G>T, p.Gly294Val), supporting the critical relevance of codon 294 to FBP1 protein function. ClinVar contains an entry for this variant (Variation ID: 422511). Based on the evidence outlined above, the variant was classified as uncertain significance.

Labcorp Genetics (formerly Invitae), Labcorp
Classification: Likely pathogenic for Fructose-biphosphatase deficiency. Last evaluated: 2025-01-06. Review status: criteria provided, single submitter. Criteria: Invitae Variant Classification Sherloc (09022015). Collection method: clinical testing. Allele origin: germline.
Comment: This sequence change replaces glycine, which is neutral and non-polar, with arginine, which is basic and polar, at codon 294 of the FBP1 protein (p.Gly294Arg). This variant is present in population databases (no rsID available, gnomAD 0.006%). This variant has not been reported in the literature in individuals affected with FBP1-related conditions. ClinVar contains an entry for this variant (Variation ID: 422511). Invitae Evidence Modeling of protein sequence and biophysical properties (such as structural, functional, and spatial information, amino acid conservation, physicochemical variation, residue mobility, and thermodynamic stability) indicates that this missense variant is expected to disrupt FBP1 protein function with a positive predictive value of 95%. This variant disrupts the p.Gly294 amino acid residue in FBP1. Other variant(s) that disrupt this residue have been determined to be pathogenic (PMID: 20151204, 27101822). This suggests that this residue is clinically significant, and that variants that disrupt this residue are likely to be disease-causing. In summary, the currently available evidence indicates that the variant is pathogenic, but additional data are needed to prove that conclusively. Therefore, this variant has been classified as Likely Pathogenic.

Literature cited by the submitters: PubMed 20151204 (cited by Labcorp Genetics (formerly Invitae), Labcorp); PubMed 27101822 (cited by Labcorp Genetics (formerly Invitae), Labcorp).